The following is an entry in ClinVar:

ClinVar aggregate classification (germline): Uncertain significance (1 of 4 stars; one submission).

Conditions:
LTBP2-related disorder. Also called: LTBP2-related condition; LTBP2-related disorders.

Submission:

PreventionGenetics, part of Exact Sciences
Classification: Uncertain significance for LTBP2-related condition. Last evaluated: 2022-12-06. Review status: criteria provided, single submitter. Criteria: ACMG Guidelines, 2015. Collection method: clinical testing. Allele origin: germline.
Comment: The LTBP2 c.4799G>T variant is predicted to result in the amino acid substitution p.Arg1600Leu. To our knowledge, this variant has not been reported in the literature or in a large population database, indicating this variant is rare. At this time, the clinical significance of this variant is uncertain due to the absence of conclusive functional and genetic evidence.

NM_000428.3(LTBP2):c.4799G>T (p.Arg1600Leu)

Gene: LTBP2 (latent transforming growth factor beta binding protein 2; minus strand). Cytogenetic location: 14q24.3.
Variant type: single nucleotide variant.
Coding change: c.4799G>T on transcript NM_000428.3 (MANE Select); coding-DNA position 4799, G replaced by T.
Protein change: p.Arg1600Leu; replaces arginine 1600 with leucine.
Molecular consequence: missense variant.
Genome position (GRCh38, 1-based): chr14:74,503,308, C>A on the plus strand (G>T on the coding strand, the complement: LTBP2 is on the minus strand). VCF-style: chr14-74503308-C-A. GRCh37 (hg19) VCF-style: chr14-74970011-C-A.
Other names: short protein forms R1600L.
Identifiers: ClinVar variation 2635492 (VCV002635492.1), dbSNP rs375314974, ClinGen allele CA390384642.